The following is an entry in ClinVar:

NM_012330.4(KAT6B):c.5167dup (p.Gln1723fs)

Gene: KAT6B (lysine acetyltransferase 6B; plus strand). Cytogenetic location: 10q22.2.
Variant type: Duplication.
Coding change: c.5167dup on transcript NM_012330.4 (MANE Select); coding-DNA position 5167, one base duplicated (C; older notation c.5167dupC).
Protein change: p.Gln1723fs; shifts the reading frame from glutamine 1723.
Molecular consequence: frameshift variant.
Genome position (GRCh38, 1-based): chr10:75,029,991, C duplicated; the last of 3 consecutive C bases (chr10:75,029,989-75,029,991); duplicating any one gives the same sequence. VCF-style (leftmost placement, unchanged base first): chr10-75029988-A-AC. GRCh37 (hg19) VCF-style: chr10-76789746-A-AC.
Other names: c.5167dupC (NM_012330.4); c.4618dup, p.Gln1540fs (NM_001256468.2, NM_001370138.1); c.4291dup, p.Gln1431fs (NM_001256469.2, NM_001370139.1, NM_001370140.1 and 2 more transcripts); c.4129dup, p.Gln1377fs (NM_001370132.1); c.3478dup, p.Gln1160fs (NM_001370133.1); c.3082dup, p.Gln1028fs (NM_001370134.1); c.2824dup, p.Gln942fs (NM_001370135.1); c.5167dup, p.Gln1723fs (NM_001370136.1, NM_001370137.1); and 1 more; short protein forms Q1160fs, Q1540fs, Q1368fs, Q1377fs, Q1431fs, Q1723fs, Q1028fs, Q942fs.
Identifiers: ClinVar variation 637031 (VCV000637031.1), dbSNP rs1589845386, ClinGen allele CA915945978.

ClinVar aggregate classification (germline): Pathogenic (1 of 4 stars; one submission).

Conditions:
Blepharophimosis - intellectual disability syndrome, SBBYS type (SBBYSS). Also called: Say-Barber-Biesecker variant of Ohdo syndrome (SBBYSS); Say-Barber-Biesecker-Young-Simpson variant of Ohdo Syndrome; Say-Barber-Biesecker Variant of Ohdo Syndrome; Young Simpson syndrome; Mental retardation unusual facies hypothyroidism; Ohdo syndrome, SBBYS variant. Identifiers: Orphanet 3047, MedGen C1863557, MONDO:0011365, OMIM 603736.

Submission:

Laboratory of Medical Genetics, National & Kapodistrian University of Athens
Classification: Pathogenic for Blepharophimosis - intellectual disability syndrome, SBBYS type. Last evaluated: 2018-04-03. Review status: criteria provided, single submitter. Criteria: ACMG Guidelines, 2015. Collection method: clinical testing. Allele origin: de novo. Affected: yes.
Comment: PVS1,PM2,PP2, PP4